The following is an entry in ClinVar:

ClinVar aggregate classification (germline): Uncertain significance (1 of 4 stars; one submission).

Conditions:
Cardiovascular phenotype. Identifiers: MedGen CN230736.

gnomAD v4.1: 6 of 1,614,004 alleles (0.00037%); highest among the groups gnomAD compares: South Asian, 0.0066%; no homozygotes.

Submission:

Ambry Genetics
Classification: Uncertain significance for Cardiovascular phenotype. Last evaluated: 2026-08-29. Review status: criteria provided, single submitter. Criteria: Ambry Variant Classification Scheme 2023. Collection method: clinical testing. Allele origin: germline.
Comment: The p.T4397A variant (also known as c.13189A>G), located in coding exon 29 of the APOB gene, results from an A to G substitution at nucleotide position 13189. The threonine at codon 4397 is replaced by alanine, an amino acid with similar properties. This amino acid position is conserved. In addition, this alteration is predicted to be tolerated by in silico analysis. Based on the available evidence, the clinical significance of this variant remains unclear.

NM_000384.3(APOB):c.13189A>G (p.Thr4397Ala)

Gene: APOB (apolipoprotein B; minus strand). Cytogenetic location: 2p24.1.
Variant type: single nucleotide variant.
Coding change: c.13189A>G on transcript NM_000384.3 (MANE Select); coding-DNA position 13189, A replaced by G.
Protein change: p.Thr4397Ala; replaces threonine 4397 with alanine.
Molecular consequence: missense variant.
Genome position (GRCh38, 1-based): chr2:21,002,233, T>C on the plus strand (A>G on the coding strand, the complement: APOB is on the minus strand). VCF-style: chr2-21002233-T-C. GRCh37 (hg19) VCF-style: chr2-21225105-T-C.
Other names: short protein forms T4397A.
Identifiers: ClinVar variation 3885689 (VCV003885689.2).